The following is an entry in ClinVar:

NM_004006.3(DMD):c.961-5831C>T

Gene: DMD (dystrophin; minus strand). Cytogenetic location: Xp21.1.
Variant type: single nucleotide variant.
Coding change: c.961-5831C>T on transcript NM_004006.3 (MANE Select); 5831 bases into the intron before coding-DNA position 961, C replaced by T.
Molecular consequence: intron variant.
Genome position (GRCh38, 1-based): chrX:32,650,983, G>A on the plus strand (C>T on the coding strand, the complement: DMD is on the minus strand). VCF-style: chrX-32650983-G-A. GRCh37 (hg19) VCF-style: chrX-32669100-G-A.
Other names: c.937-5831C>T (NM_000109.4); c.949-5831C>T (NM_004009.3); c.592-5831C>T (NM_004010.3).
Identifiers: ClinVar variation 94849 (VCV000094849.18), dbSNP rs398124099, ClinGen allele CA267191.

ClinVar aggregate classification (germline): Pathogenic. Review status: criteria provided, multiple submitters, no conflicts (2 of 4 stars). 4 submissions from 4 submitters: Pathogenic (4). Last evaluated 2025-08-17.

Conditions:
Becker muscular dystrophy (BMD). Also called: Becker Muscular Dystrophy (BMD); MUSCULAR DYSTROPHY, PSEUDOHYPERTROPHIC PROGRESSIVE, BECKER TYPE. Identifiers: Orphanet 98895, MedGen C0917713, MONDO:0010311, OMIM 300376.
Duchenne muscular dystrophy (DMD). Also called: Duchenne Muscular Dystrophy (DMD); MUSCULAR DYSTROPHY, PSEUDOHYPERTROPHIC PROGRESSIVE, DUCHENNE TYPE. Identifiers: Orphanet 98896, MedGen C0013264, MONDO:0010679, OMIM 310200.

Submissions (4):

Labcorp Genetics (formerly Invitae), Labcorp
Classification: Pathogenic for Duchenne muscular dystrophy. Last evaluated: 2025-08-17. Review status: criteria provided, single submitter. Criteria: Invitae Variant Classification Sherloc (09022015). Collection method: clinical testing. Allele origin: germline.
Comment: This sequence change falls in intron 9 of the DMD gene. It does not directly change the encoded amino acid sequence of the DMD protein. RNA analysis indicates that this variant induces altered splicing and may result in an absent or altered protein product. The frequency data for this variant in the population databases is considered unreliable, as metrics indicate insufficient coverage at this position in the gnomAD database. This variant has been observed in individuals with DMD-related conditions (PMID: 14659407, 17041906, 19823873). This variant is also known as IVS9+46889C>T and IVS9+46806C>T. ClinVar contains an entry for this variant (Variation ID: 94849). Studies have shown that this variant results in the insertion of a cryptic exon, and produces a non-functional protein and/or introduces a premature termination codon (PMID: 17041906). For these reasons, this variant has been classified as Pathogenic.

Mendelics
Classification: Pathogenic for Becker muscular dystrophy. Last evaluated: 2022-05-04. Review status: criteria provided, single submitter. Criteria: Mendelics Assertion Criteria 2019. Collection method: clinical testing. Allele origin: germline.

GeneDx
Classification: Pathogenic. Last evaluated: 2019-11-12. Review status: criteria provided, single submitter. Criteria: GeneDx Variant Classification Process June 2021. Collection method: clinical testing. Allele origin: germline. Affected: yes.
Comment: This variant was shown to cause loss of normal protein function through nonsense-mediated mRNA decay, as no truncated protein was observed by Western blot (Beroud et al., 2004); This variant is associated with the following publications: (PMID: 19823873, 17041906, 14659407)

Eurofins Ntd Llc (ga)
Classification: Pathogenic. Last evaluated: 2016-11-15. Review status: criteria provided, single submitter. Criteria: EGL Classification Definitions 2015. Collection method: clinical testing. Allele origin: germline. Observed: 4 variant alleles, 1 heterozygote, 3 hemizygotes.

Literature cited by the submitters: PubMed 14659407 (cited by Labcorp Genetics (formerly Invitae), Labcorp); PubMed 17041906 (cited by Labcorp Genetics (formerly Invitae), Labcorp); PubMed 19823873 (cited by Labcorp Genetics (formerly Invitae), Labcorp).